The following is an entry in ClinVar:

ClinVar aggregate classification (germline): Uncertain significance (1 of 4 stars; one submission).

Conditions:
CHARGE syndrome (CHARGE). Also called: Coloboma, heart anomaly, choanal atresia, retardation, genital and ear anomalies; CHARGE association; Hall-Hittner syndrome; Hittner Hirsch Kreh syndrome; CHARGE ASSOCIATION--COLOBOMA, HEART ANOMALY, CHOANAL ATRESIA, RETARDATION, GENITAL AND EAR ANOMALIES. Identifiers: Orphanet 138, MedGen C0265354, MONDO:0008965.

Allele frequency attached by ClinVar (database versions not stated): gnomAD 0.00001 and 0.00002; gnomAD exomes 0.00003 and 0.00010; TOPMed 0.00003; ExAC 0.00011.
gnomAD v4.1: 42 of 1,613,800 alleles (0.0026%); highest among the groups gnomAD compares: East Asian, 0.076%; no homozygotes.

Submission:

Department of Pediatrics and Developmental Biology, Tokyo Medical and Dental University
Classification: Uncertain significance for CHD7-related CHARGE syndrome. Last evaluated: 2018-11-01. Review status: criteria provided, single submitter. Criteria: ACMG Guidelines, 2015. Collection method: clinical testing. Allele origin: de novo. Inheritance: Autosomal dominant inheritance. Affected: yes. Observed: 1 heterozygote.
Comment: Three-dimensional (3D) structural analysis revealed this variant was mapped onto an evolutionarily conserved region of the homologous protein. In summary, NM_018117.11: c.2108G>A (p.Arg703Gln) variant meets ACMG guidelines to be classified as uncertain significance.

Literature cited by the submitters: PubMed 30711679.

NM_018117.12(WDR11):c.2108G>A (p.Arg703Gln)

Gene: WDR11 (WD repeat domain 11; plus strand). Cytogenetic location: 10q26.12.
Variant type: single nucleotide variant.
Coding change: c.2108G>A on transcript NM_018117.12 (MANE Select); coding-DNA position 2108, G replaced by A.
Protein change: p.Arg703Gln; replaces arginine 703 with glutamine.
Molecular consequence: missense variant.
Genome position (GRCh38, 1-based): chr10:120,886,823, G>A. VCF-style: chr10-120886823-G-A. GRCh37 (hg19) VCF-style: chr10-122646335-G-A.
Other names: short protein forms R703Q.
Identifiers: ClinVar variation 590900 (VCV000590900.3), dbSNP rs753696030, ClinGen allele CA5719911.